The following is an entry in ClinVar:

ClinVar aggregate classification (germline): Uncertain significance (1 of 4 stars; one submission).

Conditions:
Hyper-IgM syndrome type 1. Also called: Hyper-IgM Immunodeficiency Syndrome, Type 1; CD40 Ligand Deficiency; X-linked hyper-IgM syndrome; Immunodeficiency, X-linked, with hyper-IgM. Identifiers: Orphanet 101088, MedGen C0398689, MONDO:0010626, OMIM 308230.

Submission:

Labcorp Genetics (formerly Invitae), Labcorp
Classification: Uncertain significance for Hyper-IgM syndrome type 1. Last evaluated: 2024-07-07. Review status: criteria provided, single submitter. Criteria: Invitae Variant Classification Sherloc (09022015). Collection method: clinical testing. Allele origin: germline.
Comment: This sequence change replaces leucine, which is neutral and non-polar, with valine, which is neutral and non-polar, at codon 100 of the CD40LG protein (p.Leu100Val). This variant is not present in population databases (gnomAD no frequency). This variant has not been reported in the literature in individuals affected with CD40LG-related conditions. Advanced modeling of protein sequence and biophysical properties (such as structural, functional, and spatial information, amino acid conservation, physicochemical variation, residue mobility, and thermodynamic stability) performed at Invitae indicates that this missense variant is not expected to disrupt CD40LG protein function with a negative predictive value of 80%. In summary, the available evidence is currently insufficient to determine the role of this variant in disease. Therefore, it has been classified as a Variant of Uncertain Significance.

NM_000074.3(CD40LG):c.298T>G (p.Leu100Val)

Gene: CD40LG (CD40 ligand; plus strand). Cytogenetic location: Xq26.3.
Variant type: single nucleotide variant.
Coding change: c.298T>G on transcript NM_000074.3 (MANE Select); coding-DNA position 298, T replaced by G.
Protein change: p.Leu100Val; replaces leucine 100 with valine.
Molecular consequence: missense variant.
Genome position (GRCh38, 1-based): chrX:136,654,382, T>G. VCF-style: chrX-136654382-T-G. GRCh37 (hg19) VCF-style: chrX-135736541-T-G.
Other names: short protein forms L100V.
Identifiers: ClinVar variation 3657122 (VCV003657122.2).